The following is an entry in ClinVar:

ClinVar aggregate classification (germline): Likely benign. Review status: criteria provided, single submitter (1 of 4 stars). 2 submissions from 2 submitters: Likely benign (1). 1 of the submissions does not count toward it. Last evaluated 2025-11-01.

Conditions:
DNAH17-related disorder. Also called: DNAH17-related condition.

Allele frequency attached by ClinVar (database versions not stated): 1000 Genomes Project 30x 0.00125; 1000 Genomes Project 0.00160; gnomAD 0.00371; ExAC 0.00426; ESP Exome Variant Server 0.00445; gnomAD exomes 0.00503.
gnomAD v4.1: 7,898 of 1,611,708 alleles (0.49%); highest among the groups gnomAD compares: Non-Finnish European, 0.56%; 25 homozygotes.

Submissions (2):

CeGaT Center for Human Genetics Tuebingen
Classification: Likely benign. Last evaluated: 2025-11-01. Review status: criteria provided, single submitter. Criteria: CeGaT Center For Human Genetics Tuebingen Variant Classification Criteria Version 2. Collection method: clinical testing. Allele origin: germline. Affected: yes. Observed: 3 variant alleles.
Comment: DNAH17: BP4, BS2

PreventionGenetics, part of Exact Sciences
Classification: Benign for DNAH17-related condition. Last evaluated: 2019-06-24. Review status: no assertion criteria provided. Collection method: clinical testing. Allele origin: germline. Not counted in ClinVar's aggregate classification.
Comment: This variant is classified as benign based on ACMG/AMP sequence variant interpretation guidelines (Richards et al. 2015 PMID: 25741868, with internal and published modifications).

NM_173628.4(DNAH17):c.5322+8C>T

Genes: DNAH17 (dynein axonemal heavy chain 17; minus strand), DNAH17-AS1 (DNAH17 antisense RNA 1; plus strand). Cytogenetic location: 17q25.3.
Variant type: single nucleotide variant.
Coding change: c.5322+8C>T on transcript NM_173628.4 (MANE Select); 8 bases into the intron after coding-DNA position 5322, C replaced by T.
Molecular consequence: intron variant. On other transcripts: non-coding transcript variant (1).
Genome position (GRCh38, 1-based): chr17:78,501,734, G>A on the plus strand (C>T on the coding strand, the complement: DNAH17 is on the minus strand). VCF-style: chr17-78501734-G-A. GRCh37 (hg19) VCF-style: chr17-76497816-G-A.
Other names: c.5322+8C>T (NM_173628.3).
Identifiers: ClinVar variation 2648368 (VCV002648368.25), dbSNP rs112619893, ClinGen allele CA8803327.